The following is an entry in ClinVar:

ClinVar aggregate classification (germline): Uncertain significance (1 of 4 stars; one submission).

Conditions:
Cardiovascular phenotype. Identifiers: MedGen CN230736.

gnomAD v4.1: 1 of 1,613,706 alleles (0.000062%); highest among the groups gnomAD compares: Non-Finnish European, 0.000085%; no homozygotes.

Submission:

Ambry Genetics
Classification: Uncertain significance for Cardiovascular phenotype. Last evaluated: 2024-04-19. Review status: criteria provided, single submitter. Criteria: Ambry Variant Classification Scheme 2023. Collection method: clinical testing. Allele origin: germline.
Comment: The p.A1334S variant (also known as c.4000G>T), located in coding exon 23 of the FLNC gene, results from a G to T substitution at nucleotide position 4000. The alanine at codon 1334 is replaced by serine, an amino acid with similar properties. This amino acid position is conserved. In addition, this alteration is predicted to be tolerated by in silico analysis. Based on the available evidence, the clinical significance of this variant remains unclear.

NM_001458.5(FLNC):c.4000G>T (p.Ala1334Ser)

Gene: FLNC (filamin C; plus strand). Cytogenetic location: 7q32.1.
Variant type: single nucleotide variant.
Coding change: c.4000G>T on transcript NM_001458.5 (MANE Select); coding-DNA position 4000, G replaced by T.
Protein change: p.Ala1334Ser; replaces alanine 1334 with serine.
Molecular consequence: missense variant.
Genome position (GRCh38, 1-based): chr7:128,846,336, G>T. VCF-style: chr7-128846336-G-T. GRCh37 (hg19) VCF-style: chr7-128486390-G-T.
Other names: c.4000G>T, p.Ala1334Ser (NM_001127487.2); short protein forms A1334S.
Identifiers: ClinVar variation 3279214 (VCV003279214.1).